The following is an entry in ClinVar:

ClinVar aggregate classification (germline): Uncertain significance. Review status: criteria provided, multiple submitters, no conflicts (2 of 4 stars). 2 submissions from 2 submitters: Uncertain significance (2). Last evaluated 2025-08-19.

Conditions:
Inborn genetic diseases. Identifiers: MedGen C0950123, MeSH D030342.

Allele frequency attached by ClinVar (database versions not stated): gnomAD exomes 0.00004 and 0.00012; ExAC 0.00007; TOPMed 0.00033; 1000 Genomes Project 0.00040; gnomAD 0.00046 and 0.00047; 1000 Genomes Project 30x 0.00047.
gnomAD v4.1: 134 of 1,613,656 alleles (0.0083%); highest among the groups gnomAD compares: Admixed American, 0.19%; 1 homozygote.

Submissions (2):

Ambry Genetics
Classification: Uncertain significance for Inborn genetic diseases. Last evaluated: 2025-08-19. Review status: criteria provided, single submitter. Criteria: Ambry Variant Classification Scheme 2023. Collection method: clinical testing. Allele origin: germline.

GeneDx
Classification: Uncertain significance. Last evaluated: 2019-10-14. Review status: criteria provided, single submitter. Criteria: GeneDx Variant Classification Process June 2021. Collection method: clinical testing. Allele origin: germline. Affected: yes.
Comment: Has not been previously published as pathogenic or benign to our knowledge; In silico analysis, which includes protein predictors and evolutionary conservation, supports that this variant does not alter protein structure/function

NM_198569.3(ADGRG6):c.215G>A (p.Arg72Gln)

Gene: ADGRG6 (adhesion G protein-coupled receptor G6; plus strand). Cytogenetic location: 6q24.2.
Variant type: single nucleotide variant.
Coding change: c.215G>A on transcript NM_198569.3 (MANE Select); coding-DNA position 215, G replaced by A.
Protein change: p.Arg72Gln; replaces arginine 72 with glutamine.
Molecular consequence: missense variant.
Genome position (GRCh38, 1-based): chr6:142,367,680, G>A. VCF-style: chr6-142367680-G-A. GRCh37 (hg19) VCF-style: chr6-142688817-G-A.
Other names: c.215G>A, p.Arg72Gln (NM_001032394.3, NM_001032395.3, NM_020455.6); short protein forms R72Q.
Identifiers: ClinVar variation 1308919 (VCV001308919.3), dbSNP rs192254609, ClinGen allele CA4026610.